The following is an entry in ClinVar:

ClinVar aggregate classification (germline): Benign/Likely benign. Review status: criteria provided, multiple submitters, no conflicts (2 of 4 stars). 11 submissions from 11 submitters: Benign (2); Likely benign (6). 3 of the submissions do not count toward it. Last evaluated 2026-09-01.

Conditions:
Self-limited epilepsy with centrotemporal spikes. Also called: Childhood epilepsy with centrotemporal spikes; Rolandic epilepsy. Identifiers: Orphanet 1945, MedGen C0376532, MONDO:0007295.
Familial focal epilepsy with variable foci (FPEVF). Identifiers: Orphanet 98820, MedGen C1858477, MONDO:0020310.
DEPDC5-related disorder. Also called: DEPDC5-related condition; DEPDC5-related related disorder.
Inborn genetic diseases. Identifiers: MedGen C0950123, MeSH D030342.
Epilepsy, familial focal, with variable foci 1 (FFEVF1). Also called: DEPDC5-Related Epilepsy. Identifiers: MedGen C4551983, MONDO:0024556, OMIM 604364.

Allele frequency attached by ClinVar (database versions not stated): ESP Exome Variant Server 0.00044; gnomAD exomes 0.00064 and 0.00085; TOPMed 0.00069; gnomAD 0.00103 and 0.00108; ExAC 0.00150.
gnomAD v4.1: 1,068 of 1,551,580 alleles (0.069%); highest among the groups gnomAD compares: Non-Finnish European, 0.061%; no homozygotes.

Submissions (14):

CeGaT Center for Human Genetics Tuebingen
Classification: Likely benign. Last evaluated: 2026-09-01. Review status: criteria provided, single submitter. Criteria: CeGaT Center For Human Genetics Tuebingen Variant Classification Criteria Version 2. Collection method: clinical testing. Allele origin: germline. Affected: yes. Observed: 19 variant alleles.
Comment: DEPDC5: BP4

Women's Health and Genetics/Laboratory Corporation of America, LabCorp
Classification: Benign. Last evaluated: 2026-05-19. Review status: criteria provided, single submitter. Criteria: LabCorp Variant Classification Summary - May 2015. Collection method: clinical testing. Allele origin: germline.
Comment: Variant summary: DEPDC5 c.3265-3C>T alters a conserved nucleotide located close to a canonical splice site and therefore could affect mRNA splicing, leading to a significantly altered protein sequence. Consensus agreement among computation tools predict no significant impact on normal splicing. However, these predictions have yet to be confirmed by functional studies. The variant allele was found at a frequency of 0.00069 in 1551580 control chromosomes, predominantly at a frequency of 0.008 within the Ashkenazi-Jewish subpopulation in the gnomAD database. The observed variant frequency within Ashkenazi-Jewish control individuals in the gnomAD database exceeds the estimated maximal expected allele frequency for disease-causing variants in DEPDC5. c.3265-3C>T has been observed in individual(s) affected with various forms of epilepsy, without strong evidence for disease (example, Ricos_2016, Bobbili_2018). These report(s) do not provide unequivocal conclusions about association of the variant with disease. To our knowledge, no experimental evidence demonstrating an impact on protein function has been reported. The following publications have been ascertained in the context of this evaluation (PMID: 26505888, 29358611). ClinVar contains an entry for this variant (Variation ID: 238679). Based on the evidence outlined above, the variant was classified as benign.

Labcorp Genetics (formerly Invitae), Labcorp
Classification: Likely benign for Familial focal epilepsy with variable foci. Last evaluated: 2026-01-26. Review status: criteria provided, single submitter. Criteria: Invitae Variant Classification Sherloc (09022015). Collection method: clinical testing. Allele origin: germline.

Laboratory of Genetics, Children's Clinical University Hospital Latvia
Classification: Likely benign. Last evaluated: 2025-02-16. Review status: criteria provided, single submitter. Criteria: ACMG Guidelines, 2015. Collection method: clinical testing. Allele origin: germline. Affected: yes.

Blueprint Genetics
Classification: Likely benign. Last evaluated: 2024-11-27. Review status: criteria provided, single submitter. Criteria: ACMG Guidelines, 2015. Collection method: clinical testing. Allele origin: germline.

ARUP Laboratories, Molecular Genetics and Genomics, ARUP Laboratories
Classification: Likely benign for Epilepsy, familial focal, with variable foci 1. Last evaluated: 2022-04-08. Review status: criteria provided, single submitter. Criteria: ARUP Molecular Germline Variant Investigation Process 2021. Collection method: clinical testing. Allele origin: germline.

GeneDx
Classification: Benign. Last evaluated: 2020-02-13. Review status: criteria provided, single submitter. Criteria: GeneDx Variant Classification Process June 2021. Collection method: clinical testing. Allele origin: germline. Affected: yes.
Comment: This variant is associated with the following publications: (PMID: 29358611, 26505888)

Ambry Genetics
Classification: Likely benign for Inborn genetic diseases. Last evaluated: 2018-04-16. Review status: criteria provided, single submitter. Criteria: Ambry Variant Classification Scheme 2023. Collection method: clinical testing. Allele origin: germline.

PreventionGenetics, part of Exact Sciences
Classification: Benign for DEPDC5-related condition. Last evaluated: 2023-12-05. Review status: no assertion criteria provided. Collection method: clinical testing. Allele origin: germline. Not counted in ClinVar's aggregate classification.
Comment: This variant is classified as benign based on ACMG/AMP sequence variant interpretation guidelines (Richards et al. 2015 PMID: 25741868, with internal and published modifications).

Dr. Peter K. Rogan Lab, Western University
No classification provided (evidence only). Condition: Clear cell carcinoma of kidney. Review status: no classification provided. Collection method: in vitro. Allele origin: not applicable. Functional consequence: retained intron. Not counted in ClinVar's aggregate classification.

Dr. Peter K. Rogan Lab, Western University
No classification provided (evidence only). Condition: Cervical cancer. Review status: no classification provided. Collection method: in vitro. Allele origin: not applicable. Functional consequence: retained intron. Not counted in ClinVar's aggregate classification.

Dr. Peter K. Rogan Lab, Western University
No classification provided (evidence only). Condition: Thymoma. Review status: no classification provided. Collection method: in vitro. Allele origin: not applicable. Functional consequence: retained intron. Not counted in ClinVar's aggregate classification.

GeneReviews
No classification provided. Condition: Epilepsy, familial focal, with variable foci 1. Review status: no classification provided. Collection method: literature only. Allele origin: germline. Affected: yes. Not counted in ClinVar's aggregate classification.

Bioinformatics Core, Luxembourg Center for Systems Biomedicine
Classification: Pathogenic for Self-limited epilepsy with centrotemporal spikes. Last evaluated: 2017-01-01. Review status: flagged submission. Collection method: case-control. Allele origin: germline. Affected: yes. Study: EUROEPINOMICS COGIE. Not counted in ClinVar's aggregate classification.
Comment: CAADphred>15
ClinVar note: Reason: Outlier claim with insufficient supporting evidence

Literature cited by the submitters: PubMed 26505888 (cited by 3 submitters); PubMed 29358611 (cited by Women's Health and Genetics/Laboratory Corporation of America, LabCorp and Bioinformatics Core, Luxembourg Center for Systems Biomedicine); NCBI Bookshelf NBK385626 (cited by GeneReviews).

NM_001242896.3(DEPDC5):c.3265-3C>T

Gene: DEPDC5 (DEP domain containing 5, GATOR1 subcomplex subunit; plus strand). Cytogenetic location: 22q12.3.
Variant type: single nucleotide variant.
Coding change: c.3265-3C>T on transcript NM_001242896.3 (MANE Select); 3 bases into the intron before coding-DNA position 3265, C replaced by T.
Molecular consequence: intron variant.
Genome position (GRCh38, 1-based): chr22:31,861,365, C>T. VCF-style: chr22-31861365-C-T. GRCh37 (hg19) VCF-style: chr22-32257351-C-T.
Other names: c.3265-3C>T (NM_001364318.2); c.3238-3C>T (NM_001136029.4); c.3237+3812C>T (NM_014662.6, NM_001369903.1); c.3264+3812C>T (NM_001363852.2, NM_001364320.2); c.3031-3C>T (NM_001363854.2, NM_001364319.2); c.3030+3812C>T (NM_001242897.2); c.3181-3C>T (NM_001369902.1, NM_001369901.1).
Identifiers: ClinVar variation 238679 (VCV000238679.54), dbSNP rs371377906, ClinGen allele CA10196936.